The following is an entry in ClinVar:

NM_001035.3(RYR2):c.6686T>C (p.Leu2229Pro)

Gene: RYR2 (ryanodine receptor 2; plus strand). Cytogenetic location: 1q43.
Variant type: single nucleotide variant.
Coding change: c.6686T>C on transcript NM_001035.3 (MANE Select); coding-DNA position 6686, T replaced by C.
Protein change: p.Leu2229Pro; replaces leucine 2229 with proline.
Molecular consequence: missense variant.
Genome position (GRCh38, 1-based): chr1:237,633,708, T>C. VCF-style: chr1-237633708-T-C. GRCh37 (hg19) VCF-style: chr1-237797008-T-C.
Other names: short protein forms L2229P.
Identifiers: ClinVar variation 954202 (VCV000954202.11), dbSNP rs1680574380, ClinGen allele CA345394411.

ClinVar aggregate classification (germline): Likely pathogenic (1 of 4 stars; one submission).

Conditions:
Catecholaminergic polymorphic ventricular tachycardia 1. Also called: VENTRICULAR TACHYCARDIA, STRESS-INDUCED POLYMORPHIC 1; RYR2-Related Catecholaminergic Polymorphic Ventricular Tachycardia; VENTRICULAR TACHYCARDIA, CATECHOLAMINERGIC POLYMORPHIC, 1, WITH OR WITHOUT ATRIAL DYSFUNCTION AND/OR DILATED CARDIOMYOPATHY. Identifiers: Orphanet 3286, MedGen C1631597, MONDO:0011484, OMIM 604772.

Submission:

Labcorp Genetics (formerly Invitae), Labcorp
Classification: Likely pathogenic for Catecholaminergic polymorphic ventricular tachycardia 1. Last evaluated: 2022-06-13. Review status: criteria provided, single submitter. Criteria: Invitae Variant Classification Sherloc (09022015). Collection method: clinical testing. Allele origin: germline.
Comment: This sequence change replaces leucine, which is neutral and non-polar, with proline, which is neutral and non-polar, at codon 2229 of the RYR2 protein (p.Leu2229Pro). This variant is not present in population databases (gnomAD no frequency). This missense change has been observed in individual(s) with clinical features of RYR2-related conditions (Invitae). In at least one individual the variant was observed to be de novo. ClinVar contains an entry for this variant (Variation ID: 954202). Algorithms developed to predict the effect of missense changes on protein structure and function (SIFT, PolyPhen-2, Align-GVGD) all suggest that this variant is likely to be disruptive. In summary, the currently available evidence indicates that the variant is pathogenic, but additional data are needed to prove that conclusively. Therefore, this variant has been classified as Likely Pathogenic.